The following is an entry in ClinVar:

ClinVar aggregate classification (germline): Uncertain significance. Review status: criteria provided, multiple submitters, no conflicts (2 of 4 stars). 2 submissions from 2 submitters: Uncertain significance (2). Last evaluated 2024-04-11.

Conditions:
Hereditary cancer-predisposing syndrome. Also called: Neoplastic Syndromes, Hereditary; Tumor predisposition; Hereditary Cancer Syndrome; Hereditary neoplastic syndrome. Identifiers: Orphanet 140162, MedGen C0027672, MeSH D009386, MONDO:0015356.
Hereditary nonpolyposis colorectal neoplasms. Identifiers: MedGen C0009405, MeSH D003123.

Allele frequency attached by ClinVar (database versions not stated): gnomAD exomes below 0.00001.

Submissions (2):

Labcorp Genetics (formerly Invitae), Labcorp
Classification: Uncertain significance for Hereditary nonpolyposis colorectal neoplasms. Last evaluated: 2024-04-11. Review status: criteria provided, single submitter. Criteria: Invitae Variant Classification Sherloc (09022015). Collection method: clinical testing. Allele origin: germline.
Comment: This sequence change replaces isoleucine, which is neutral and non-polar, with valine, which is neutral and non-polar, at codon 1011 of the MSH6 protein (p.Ile1011Val). This variant is not present in population databases (gnomAD no frequency). This variant has not been reported in the literature in individuals affected with MSH6-related conditions. ClinVar contains an entry for this variant (Variation ID: 483835). Advanced modeling of protein sequence and biophysical properties (such as structural, functional, and spatial information, amino acid conservation, physicochemical variation, residue mobility, and thermodynamic stability) performed at Invitae indicates that this missense variant is not expected to disrupt MSH6 protein function with a negative predictive value of 95%. In summary, the available evidence is currently insufficient to determine the role of this variant in disease. Therefore, it has been classified as a Variant of Uncertain Significance.

Ambry Genetics
Classification: Uncertain significance for Hereditary cancer-predisposing syndrome. Last evaluated: 2020-12-09. Review status: criteria provided, single submitter. Criteria: Ambry Variant Classification Scheme 2023. Collection method: clinical testing. Allele origin: germline.
Comment: The p.I1011V variant (also known as c.3031A>G), located in coding exon 4 of the MSH6 gene, results from an A to G substitution at nucleotide position 3031. The isoleucine at codon 1011 is replaced by valine, an amino acid with highly similar properties. This amino acid position is well conserved in available vertebrate species. In addition, the in silico prediction for this alteration is inconclusive. Since supporting evidence is limited at this time, the clinical significance of this alteration remains unclear.

NM_000179.3(MSH6):c.3031A>G (p.Ile1011Val)

Gene: MSH6 (mutS homolog 6; plus strand). Cytogenetic location: 2p16.3.
Variant type: single nucleotide variant.
Coding change: c.3031A>G on transcript NM_000179.3 (MANE Select); coding-DNA position 3031, A replaced by G.
Protein change: p.Ile1011Val; replaces isoleucine 1011 with valine.
Molecular consequence: missense variant.
Genome position (GRCh38, 1-based): chr2:47,801,014, A>G. VCF-style: chr2-47801014-A-G. GRCh37 (hg19) VCF-style: chr2-48028153-A-G.
Other names: c.2641A>G, p.Ile881Val (NM_001281492.2); c.2125A>G, p.Ile709Val (NM_001281493.2, NM_001281494.2); short protein forms I1011V, I709V, I881V.
Identifiers: ClinVar variation 483835 (VCV000483835.13), dbSNP rs1553414415, ClinGen allele CA346756459.